The following is an entry in ClinVar:

NM_001374736.1(DST):c.16287A>C (p.Leu5429=)

Gene: DST (dystonin; minus strand). Cytogenetic location: 6p12.1.
Variant type: single nucleotide variant.
Coding change: c.16287A>C on transcript NM_001374736.1 (MANE Select); coding-DNA position 16287, A replaced by C.
Protein change: p.Leu5429=; no amino-acid change (leucine 5429 retained).
Molecular consequence: synonymous variant.
Genome position (GRCh38, 1-based): chr6:56,552,505, T>G on the plus strand (A>C on the coding strand, the complement: DST is on the minus strand). VCF-style: chr6-56552505-T-G. GRCh37 (hg19) VCF-style: chr6-56417303-T-G.
Other names: c.9930A>C, p.Leu3310= (NM_001144769.5); c.9516A>C, p.Leu3172= (NM_001144770.2); c.16287A>C, p.Leu5429= (NM_001374722.1); c.15654A>C, p.Leu5218= (NM_001374729.1); c.9396A>C, p.Leu3132= (NM_001374730.1, NM_001386100.1, NM_183380.4); c.16314A>C, p.Leu5438= (NM_001374734.1); c.8418A>C, p.Leu2806= (NM_015548.5).
Identifiers: ClinVar variation 2948473 (VCV002948473.3), dbSNP rs1014829562, ClinGen allele CA450619559.

ClinVar aggregate classification (germline): Uncertain significance (1 of 4 stars; one submission).

Conditions:
Epidermolysis bullosa simplex 3, localized or generalized intermediate, with BP230 deficiency (EBS3). Also called: Epidermolysis bullosa simplex, autosomal recessive 2; Epidermolysis bullosa simplex due to BP230 deficiency. Identifiers: Orphanet 412181, MedGen C3809470, MONDO:0014180, OMIM 615425.
Hereditary sensory and autonomic neuropathy type 6. Also called: Neuropathy, hereditary sensory and autonomic, type VI; HSAN VI. Identifiers: Orphanet 314381, MedGen C3539003, MONDO:0013839, OMIM 614653.

Submission:

Labcorp Genetics (formerly Invitae), Labcorp
Classification: Uncertain significance for Epidermolysis bullosa simplex 3, localized or generalized intermediate, with BP230 deficiency; Hereditary sensory and autonomic neuropathy type 6. Last evaluated: 2023-06-07. Review status: criteria provided, single submitter. Criteria: Invitae Variant Classification Sherloc (09022015). Collection method: clinical testing. Allele origin: germline.
Comment: In summary, the available evidence is currently insufficient to determine the role of this variant in disease. Therefore, it has been classified as a Variant of Uncertain Significance. This variant has not been reported in the literature in individuals affected with DST-related conditions. This variant is not present in population databases (gnomAD no frequency). This sequence change affects codon 2806 of the DST mRNA. It is a 'silent' change, meaning that it does not change the encoded amino acid sequence of the DST protein. The DST gene has multiple clinically relevant transcripts. This variant occurs in alternate transcript NM_015548.4, and corresponds to NM_001723.5:c.*63012A>C in the primary transcript.